The following is an entry in ClinVar:

NM_001371986.1(UNC80):c.7056del (p.Ala2353fs)

Gene: UNC80 (unc-80 subunit of NALCN channel complex; plus strand). Cytogenetic location: 2q34.
Variant type: Deletion.
Coding change: c.7056del on transcript NM_001371986.1 (MANE Select); coding-DNA position 7056, one base deleted (T; older notation c.7056delT).
Protein change: p.Ala2353fs; shifts the reading frame from alanine 2353.
Molecular consequence: frameshift variant.
Genome position (GRCh38, 1-based): chr2:209,945,056, T deleted. VCF-style (leftmost placement, unchanged base first): chr2-209945055-CT-C. GRCh37 (hg19) VCF-style: chr2-210809779-CT-C.
Other names: c.6858del, p.Ala2287fs (NM_032504.2); c.6843del, p.Ala2282fs (NM_182587.4); short protein forms A2282fs, A2287fs, A2353fs.
Identifiers: ClinVar variation 4292419 (VCV004292419.1).

ClinVar aggregate classification (germline): Pathogenic (1 of 4 stars; one submission).

Conditions:
Hypotonia, infantile, with psychomotor retardation and characteristic facies 2 (IHPRF2). Also called: UNC80 Deficiency. Identifiers: Orphanet 371364, Orphanet 700333, MedGen C4225203, MONDO:0014777, OMIM 616801.

Submission:

3billion
Classification: Pathogenic for Hypotonia, infantile, with psychomotor retardation and characteristic facies 2. Last evaluated: 2024-11-26. Review status: criteria provided, single submitter. Criteria: ACMG Guidelines, 2015. Collection method: clinical testing. Allele origin: germline. Affected: yes.
Comment: The variant is not observed in the gnomAD v4.1.0 dataset. Predicted Consequence/Location: Frameshift: predicted to result in a loss or disruption of normal protein function through nonsense-mediated decay (NMD) or protein truncation. Multiple pathogenic variants are reported downstream of the variant. Therefore, this variant is classified as Pathogenic according to the recommendation of ACMG/AMP guideline.